The following is an entry in ClinVar:

NM_001142.2(AMELX):c.125A>G (p.Tyr42Cys)

Genes: AMELX (amelogenin X-linked; plus strand), ARHGAP6 (Rho GTPase activating protein 6; minus strand). Cytogenetic location: Xp22.2.
Variant type: single nucleotide variant.
Coding change: c.125A>G on transcript NM_001142.2 (MANE Select); coding-DNA position 125, A replaced by G.
Protein change: p.Tyr42Cys; replaces tyrosine 42 with cysteine.
Molecular consequence: missense variant. On other transcripts: intron variant (3).
Genome position (GRCh38, 1-based): chrX:11,298,258, A>G. VCF-style: chrX-11298258-A-G. GRCh37 (hg19) VCF-style: chrX-11316378-A-G.
Other names: c.167A>G, p.Tyr56Cys (NM_182680.1); c.77A>G, p.Tyr26Cys (NM_182681.1); c.589-43551T>C (NM_013427.3, NM_006125.3); c.49-43551T>C (NM_001287242.2); short protein forms Y26C, Y42C, Y56C.
Identifiers: ClinVar variation 4994715 (VCV004994715.1).

ClinVar aggregate classification (germline): Uncertain significance (1 of 4 stars; one submission).

Conditions:
AMELX-related disorder. Also called: AMELX-related condition.

gnomAD v4.1: 2 of 1,209,711 alleles (0.00017%); highest among the groups gnomAD compares: Non-Finnish European, 0.00022%; no homozygotes.

Submission:

PreventionGenetics, part of Exact Sciences
Classification: Uncertain significance for AMELX-related condition. Last evaluated: 2025-11-11. Review status: criteria provided, single submitter. Criteria: ACMG Guidelines, 2015. Collection method: clinical testing. Allele origin: germline.
Comment: The AMELX c.167A>G variant is predicted to result in the amino acid substitution p.Tyr56Cys. To our knowledge, this variant has not been reported in the literature or in a large population database (gnomAD), indicating this variant is rare. At this time, the clinical significance of this variant is uncertain due to the absence of conclusive functional and genetic evidence.